The following is an entry in ClinVar:

ClinVar aggregate classification (germline): Likely benign (1 of 4 stars; one submission).

Allele frequency attached by ClinVar (database versions not stated): gnomAD exomes below 0.00001.
gnomAD v4.1: 1 of 1,613,864 alleles (0.000062%); highest among the groups gnomAD compares: African/African-American, 0.0013%; no homozygotes.

Submission:

CeGaT Center for Human Genetics Tuebingen
Classification: Likely benign. Last evaluated: 2022-06-01. Review status: criteria provided, single submitter. Criteria: CeGaT Center For Human Genetics Tuebingen Variant Classification Criteria Version 2. Collection method: clinical testing. Allele origin: germline. Affected: yes. Observed: 1 variant allele.
Comment: SCN3A: PM2:Supporting, BP4, BP7

NM_006922.4(SCN3A):c.3417T>C (p.Ser1139=)

Gene: SCN3A (sodium voltage-gated channel alpha subunit 3; minus strand). Cytogenetic location: 2q24.3.
Variant type: single nucleotide variant.
Coding change: c.3417T>C on transcript NM_006922.4 (MANE Select); coding-DNA position 3417, T replaced by C.
Protein change: p.Ser1139=; no amino-acid change (serine 1139 retained).
Molecular consequence: synonymous variant.
Genome position (GRCh38, 1-based): chr2:165,115,552, A>G on the plus strand (T>C on the coding strand, the complement: SCN3A is on the minus strand). VCF-style: chr2-165115552-A-G. GRCh37 (hg19) VCF-style: chr2-165972062-A-G.
Other names: c.3270T>C, p.Ser1090= (NM_001081676.2, NM_001081677.2).
Identifiers: ClinVar variation 2651480 (VCV002651480.24), dbSNP rs2468167367, ClinGen allele CA429883579.